The following is an entry in ClinVar:

NM_002617.4(PEX10):c.178C>A (p.Leu60Ile)

Gene: PEX10 (peroxisomal biogenesis factor 10; minus strand). Cytogenetic location: 1p36.32.
Variant type: single nucleotide variant.
Coding change: c.178C>A on transcript NM_002617.4 (MANE Select); coding-DNA position 178, C replaced by A.
Protein change: p.Leu60Ile; replaces leucine 60 with isoleucine.
Molecular consequence: missense variant. On other transcripts: 5 prime UTR variant (2), non-coding transcript variant (1).
Genome position (GRCh38, 1-based): chr1:2,410,386, G>T on the plus strand (C>A on the coding strand, the complement: PEX10 is on the minus strand). VCF-style: chr1-2410386-G-T. GRCh37 (hg19) VCF-style: chr1-2341825-G-T.
Other names: c.178C>A, p.Leu60Ile (NM_001374425.1, NM_153818.2); c.-255C>A (NM_001374426.1, NM_001374427.1); short protein forms L60I.
Identifiers: ClinVar variation 2099048 (VCV002099048.4), dbSNP rs2100434691, ClinGen allele CA337989295.

ClinVar aggregate classification (germline): Uncertain significance (1 of 4 stars; one submission).

Conditions:
Peroxisome biogenesis disorder, complementation group 7 (CG7). Also called: Peroxisome biogenesis disorder, complementation group B. Identifiers: MedGen C1864399.

Submission:

Labcorp Genetics (formerly Invitae), Labcorp
Classification: Uncertain significance for Peroxisome biogenesis disorder, complementation group 7. Last evaluated: 2022-10-25. Review status: criteria provided, single submitter. Criteria: Invitae Variant Classification Sherloc (09022015). Collection method: clinical testing. Allele origin: germline.
Comment: In summary, the available evidence is currently insufficient to determine the role of this variant in disease. Therefore, it has been classified as a Variant of Uncertain Significance. Algorithms developed to predict the effect of missense changes on protein structure and function are either unavailable or do not agree on the potential impact of this missense change (SIFT: "Tolerated"; PolyPhen-2: "Probably Damaging"; Align-GVGD: "Class C0"). This variant has not been reported in the literature in individuals affected with PEX10-related conditions. This variant is not present in population databases (gnomAD no frequency). This sequence change replaces leucine, which is neutral and non-polar, with isoleucine, which is neutral and non-polar, at codon 60 of the PEX10 protein (p.Leu60Ile).